The following is an entry in ClinVar:

NM_000018.4(ACADVL):c.886C>T (p.Pro296Ser)

Gene: ACADVL (acyl-CoA dehydrogenase very long chain; plus strand). Cytogenetic location: 17p13.1.
Variant type: single nucleotide variant.
Coding change: c.886C>T on transcript NM_000018.4 (MANE Select); coding-DNA position 886, C replaced by T.
Protein change: p.Pro296Ser; replaces proline 296 with serine.
Molecular consequence: missense variant.
Genome position (GRCh38, 1-based): chr17:7,222,674, C>T. VCF-style: chr17-7222674-C-T. GRCh37 (hg19) VCF-style: chr17-7125993-C-T.
Other names: c.820C>T, p.Pro274Ser (NM_001033859.3); c.955C>T, p.Pro319Ser (NM_001270447.2); c.658C>T, p.Pro220Ser (NM_001270448.2); short protein forms P274S, P319S, P296S, P220S.
Identifiers: ClinVar variation 2160238 (VCV002160238.2), dbSNP rs993854087, ClinGen allele CA287437473.
Genomic context (GRCh38, chr17:7,222,674, plus strand): 5'-CCAGTGACAACCTGTTGAACACACCTCTGCTTTCCCACACTGCCCTGACACAGTGGGCCC[C>T]CTGAGAAGAAGATGGGCATCAAGGCTTCAAACACAGCAGAGGTGTTCTTTGATGGAGTAC-3'
Protein context (NP_000009.1, residues 286-306): RGFGGITHGP[Pro296Ser]EKKMGIKASN

ClinVar aggregate classification (germline): Uncertain significance (1 of 4 stars; one submission).

Conditions:
Very long chain acyl-CoA dehydrogenase deficiency (ACADVLD). Also called: Very Long-Chain Acyl-Coenzyme A Dehydrogenase Deficiency; VLCAD Deficiency. Identifiers: Orphanet 26793, MedGen C3887523, MONDO:0008723, OMIM 201475.

Allele frequency attached by ClinVar (database versions not stated): gnomAD exomes below 0.00001; TOPMed 0.00001.
gnomAD v4.1: 1 of 1,613,656 alleles (0.000062%); highest among the groups gnomAD compares: Non-Finnish European, 0.000085%; no homozygotes.

Submission:

Labcorp Genetics (formerly Invitae), Labcorp
Classification: Uncertain significance for Very long chain acyl-CoA dehydrogenase deficiency. Last evaluated: 2022-07-12. Review status: criteria provided, single submitter. Criteria: Invitae Variant Classification Sherloc (09022015). Collection method: clinical testing. Allele origin: germline.
Comment: In summary, the available evidence is currently insufficient to determine the role of this variant in disease. Therefore, it has been classified as a Variant of Uncertain Significance. Algorithms developed to predict the effect of missense changes on protein structure and function are either unavailable or do not agree on the potential impact of this missense change (SIFT: "Tolerated"; PolyPhen-2: "Possibly Damaging"; Align-GVGD: "Class C0"). This variant has not been reported in the literature in individuals affected with ACADVL-related conditions. This variant is not present in population databases (gnomAD no frequency). This sequence change replaces proline, which is neutral and non-polar, with serine, which is neutral and polar, at codon 296 of the ACADVL protein (p.Pro296Ser).